The following is an entry in ClinVar:

ClinVar aggregate classification (germline): Conflicting classifications of pathogenicity. Review status: criteria provided, conflicting classifications (1 of 4 stars). 12 submissions from 12 submitters: Uncertain significance (9); Benign (1); Likely benign (1). 1 of the submissions does not count toward it. Last evaluated 2025-12-12.

Conditions:
MSH6-related disorder. Also called: MSH6-related condition; MSH6-Related disorders.
Hereditary nonpolyposis colorectal neoplasms. Identifiers: MedGen C0009405, MeSH D003123.
Hereditary cancer-predisposing syndrome. Also called: Neoplastic Syndromes, Hereditary; Hereditary neoplastic syndrome; Hereditary Cancer Syndrome; Tumor predisposition. Identifiers: Orphanet 140162, MedGen C0027672, MeSH D009386, MONDO:0015356.
Lynch syndrome. Identifiers: Orphanet 144, MedGen C4552100, MONDO:0005835. Disease mechanism: loss of function.
Lynch syndrome 5 (LYNCH5). Also called: Colorectal cancer, hereditary nonpolyposis, type 5; Hereditary non-polyposis colorectal cancer, type 5. Identifiers: Orphanet 144, MedGen C1833477, MONDO:0013710, OMIM 614350. Disease mechanism: loss of function.
Endometrial carcinoma. Also called: Endometrial carcinoma, somatic. Identifiers: MedGen C0476089, MONDO:0002447, OMIM 608089, HP:0012114.

Allele frequency attached by ClinVar (database versions not stated): gnomAD 0.00001; gnomAD exomes 0.00001; TOPMed 0.00001.
gnomAD v4.1: 42 of 1,614,046 alleles (0.0026%); highest among the groups gnomAD compares: Non-Finnish European, 0.0034%; no homozygotes.

Submissions (12):

Labcorp Genetics (formerly Invitae), Labcorp
Classification: Likely benign for Hereditary nonpolyposis colorectal neoplasms. Last evaluated: 2025-12-12. Review status: criteria provided, single submitter. Criteria: Invitae Variant Classification Sherloc (09022015). Collection method: clinical testing. Allele origin: germline.

PreventionGenetics, part of Exact Sciences
Classification: Uncertain significance for MSH6-related condition. Last evaluated: 2025-11-08. Review status: criteria provided, single submitter. Criteria: ACMG Guidelines, 2015. Collection method: clinical testing. Allele origin: germline.
Comment: The MSH6 c.1858G>A variant is predicted to result in the amino acid substitution p.Gly620Ser. This variant has been reported in individuals with pancreatic cancer and Lynch syndrome-associated cancers and/or polyps (Table S2, Yurgelun et al. 2015. PubMed ID: 25980754; Table S2, Chaffee et al. 2018. PubMed ID: 28726808). This variant is reported in 0.0018% of alleles in individuals of European (Non-Finnish) descent in gnomAD and has conflicting interpretations regarding its pathogenicity in ClinVar, ranging from benign to uncertain (Variation ID: 234483). Although we suspect that this variant may be benign, at this time, the clinical significance of this variant is uncertain due to the absence of conclusive functional and genetic evidence.

Quest Diagnostics Nichols Institute San Juan Capistrano
Classification: Uncertain significance. Last evaluated: 2025-10-22. Review status: criteria provided, single submitter. Criteria: Quest Diagnostics criteria. Collection method: clinical testing. Allele origin: unknown.
Comment: The MSH6 c.1858G>A (p.Gly620Ser) variant has been reported in the published literature in individuals with lynch related cancer (PMID: 32268276 (2020), 28726808 (2018)) and suspected lynch syndrome (PMID: 25980754 (2015)). This variant has also been reported as a somatic variant in individuals with colorectal cancer (PMID: 29338072 (2018), 28002797 (2017)). The frequency of this variant in the general population (Genome Aggregation Database) is uninformative in the assessment of its pathogenicity. Analysis of this variant using bioinformatics tools for the prediction of the effect of amino acid changes on protein structure and function yielded predictions that this variant is benign. Based on the available information, we are unable to determine the clinical significance of this variant.

Ambry Genetics
Classification: Uncertain significance for Hereditary cancer-predisposing syndrome. Last evaluated: 2025-08-11. Review status: criteria provided, single submitter. Criteria: Ambry Variant Classification Scheme 2023. Collection method: clinical testing. Allele origin: germline.

Women's Health and Genetics/Laboratory Corporation of America, LabCorp
Classification: Uncertain significance. Last evaluated: 2025-07-09. Review status: criteria provided, single submitter. Criteria: LabCorp Variant Classification Summary - May 2015. Collection method: clinical testing. Allele origin: germline.
Comment: Variant summary: MSH6 c.1858G>A (p.Gly620Ser) results in a non-conservative amino acid change in the encoded protein sequence. Algorithms developed to predict the effect of missense changes on protein structure and function are either unavailable or do not agree on the potential impact of this missense change. The variant allele was found at a frequency of 8e-06 in 250666 control chromosomes. The available data on variant occurrences in the general population are insufficient to allow any conclusion about variant significance. c.1858G>A has been observed in individual(s) affected with Lynch Syndrome and familial pancreatic cancer, without strong evidence for causality (Chaffee_2018, Yurgelun_2015). These report(s) do not provide unequivocal conclusions about association of the variant with Lynch Syndrome. To our knowledge, no experimental evidence demonstrating an impact on protein function has been reported. The following publications have been ascertained in the context of this evaluation (PMID: 28726808, 25980754). ClinVar contains an entry for this variant (Variation ID: 234483). Based on the evidence outlined above, the variant was classified as uncertain significance.

GeneDx
Classification: Uncertain significance. Last evaluated: 2025-06-16. Review status: criteria provided, single submitter. Criteria: GeneDx Variant Classification Process June 2021. Collection method: clinical testing. Allele origin: germline. Affected: yes.
Comment: Not observed at significant frequency in large population cohorts (gnomAD); In silico analysis suggests that this missense variant does not alter protein structure/function; Observed in individuals with pancreatic cancer, Lynch syndrome-associated cancers, and/or polyps (PMID: 25980754, 28726808); This variant is associated with the following publications: (PMID: 25980754, 28726808, 21120944, 17531815)

Myriad Genetics, Inc.
Classification: Benign for Lynch syndrome 5. Last evaluated: 2024-12-30. Review status: criteria provided, single submitter. Criteria: Myriad Autosomal Dominant, Autosomal Recessive and X-Linked Classification Criteria (2023). Collection method: clinical testing. Allele origin: unknown.
Comment: This variant is considered benign. This variant has been observed in trans with a known pathogenic variant in one or more individuals lacking clinical features consistent with gene-specific recessive disease. This variant is strongly associated with less severe personal and family histories of cancer, typical for individuals without pathogenic variants in this gene [PMID: 27363726].

All of Us Research Program, National Institutes of Health
Classification: Uncertain significance for Lynch syndrome. Last evaluated: 2024-04-25. Review status: criteria provided, single submitter. Criteria: ACMG Guidelines, 2015. Collection method: clinical testing. Allele origin: germline. Inheritance: Autosomal dominant inheritance. Observed: 7 variant alleles, 7 heterozygotes.
Comment: This missense variant replaces glycine with serine at codon 620 of the MSH6 protein. Computational prediction suggests that this variant may not impact protein structure and function (internally defined REVEL score threshold <= 0.5, PMID: 27666373). Splice site prediction tools suggest that this variant may not impact RNA splicing. To our knowledge, functional studies have not been performed for this variant. This variant has been reported in at least one individual affected with pancreatic cancer, and in an individual affected with Lynch syndrome-associated cancer in the literature (PMID 25980754, 28726808). This variant has been identified in 2/250666 chromosomes in the general population by the Genome Aggregation Database (gnomAD). The available evidence is insufficient to determine the role of this variant in disease conclusively. Therefore, this variant is classified as a Variant of Uncertain Significance.

This study involves interpretation of variants in research participants for the purpose of population health screening. Participant phenotype was not available at the time of variant classification. Additional details can be found in publication PMID: 35346344, PMCID: PMC8962531

Color Diagnostics, LLC DBA Color Health
Classification: Uncertain significance for Hereditary cancer-predisposing syndrome. Last evaluated: 2024-04-12. Review status: criteria provided, single submitter. Criteria: ACMG Guidelines, 2015. Collection method: clinical testing. Allele origin: germline.
Comment: This missense variant replaces glycine with serine at codon 620 of the MSH6 protein. Computational prediction suggests that this variant may not impact protein structure and function (internally defined REVEL score threshold <= 0.5, PMID: 27666373). To our knowledge, functional studies have not been performed for this variant. This variant has been reported in at least one individual affected with pancreatic cancer, and in an individual affected with Lynch syndrome-associated cancer and/or polyps (PMID: 25980754, 28726808). This variant has been identified in 2/250666 chromosomes in the general population by the Genome Aggregation Database (gnomAD). The available evidence is insufficient to determine the role of this variant in disease conclusively. Therefore, this variant is classified as a Variant of Uncertain Significance.

Baylor Genetics
Classification: Uncertain significance for Endometrial carcinoma. Last evaluated: 2023-12-07. Review status: criteria provided, single submitter. Criteria: ACMG Guidelines, 2015. Collection method: clinical testing. Allele origin: unknown.

Sema4
Classification: Uncertain significance for Hereditary cancer-predisposing syndrome. Last evaluated: 2021-06-19. Review status: criteria provided, single submitter. Criteria: Sema4 Curation Guidelines. Collection method: curation. Allele origin: germline.
Comment: The MSH6 c.1858G>A (p.G620S) variant has been reported in heterozygosity in at least one individual with pancreatic cancer and one being evaluated for Lynch syndrome (PMID: 25980754, 28726808). It was observed in 2/113422 chromosomes of the Non-Finnish European subpopulation in the large and broad cohorts of the Genome Aggregation Database (PMID: 32461654). The variant has been reported in ClinVar (Variation ID 234483). Functional studies have not been performed, and in silico predictions of the variant's effect on protein function are inconclusive. The evidence is insufficient to meet ACMG/AMP criteria for classifying the variant as benign or pathogenic. Thus, the clinical significance of this variant is currently uncertain.

Counsyl
Classification: Uncertain significance for Lynch syndrome 5. Last evaluated: 2018-02-15. Review status: no assertion criteria provided. Collection method: clinical testing. Allele origin: unknown. Not counted in ClinVar's aggregate classification.

Literature cited by the submitters: PubMed 28726808 (cited by 5 submitters); PubMed 25980754 (cited by 5 submitters); PubMed 28002797 (cited by Quest Diagnostics Nichols Institute San Juan Capistrano); PubMed 29338072 (cited by Quest Diagnostics Nichols Institute San Juan Capistrano); PubMed 32268276 (cited by Quest Diagnostics Nichols Institute San Juan Capistrano); PubMed 27363726 (cited by Myriad Genetics, Inc.).

NM_000179.3(MSH6):c.1858G>A (p.Gly620Ser)

Gene: MSH6 (mutS homolog 6; plus strand). Cytogenetic location: 2p16.3.
Variant type: single nucleotide variant.
Coding change: c.1858G>A on transcript NM_000179.3 (MANE Select); coding-DNA position 1858, G replaced by A.
Protein change: p.Gly620Ser; replaces glycine 620 with serine.
Molecular consequence: missense variant.
Genome position (GRCh38, 1-based): chr2:47,799,841, G>A. VCF-style: chr2-47799841-G-A. GRCh37 (hg19) VCF-style: chr2-48026980-G-A.
Other names: c.1468G>A, p.Gly490Ser (NM_001281492.2); c.952G>A, p.Gly318Ser (NM_001281493.2, NM_001281494.2); short protein forms G620S, G490S, G318S.
Identifiers: ClinVar variation 234483 (VCV000234483.40), dbSNP rs876661043, ClinGen allele CA10577265.